The following is an entry in ClinVar:

ClinVar aggregate classification (germline): Likely pathogenic. Review status: criteria provided, multiple submitters, no conflicts (2 of 4 stars). 3 submissions from 3 submitters: Likely pathogenic (3). Last evaluated 2025-05-28.

Conditions:
Hereditary cancer-predisposing syndrome. Also called: Hereditary neoplastic syndrome; Neoplastic Syndromes, Hereditary; Hereditary Cancer Syndrome; Tumor predisposition. Identifiers: Orphanet 140162, MedGen C0027672, MeSH D009386, MONDO:0015356.
Von Hippel-Lindau syndrome (VHLS). Also called: VHL syndrome; Von Hippel-Lindau; von Hippel–Lindau syndrome. Identifiers: Orphanet 892, MedGen C0019562, MONDO:0008667, OMIM 193300. Disease mechanism: loss of function.

Submissions (3):

Ambry Genetics
Classification: Likely pathogenic for Hereditary cancer-predisposing syndrome. Last evaluated: 2025-05-28. Review status: criteria provided, single submitter. Criteria: Ambry Variant Classification Scheme 2023. Collection method: clinical testing. Allele origin: germline.
Comment: The c.-75_-55del21 variant is located in the 5' untranslated region (5'UTR) of the VHL gene. This variant results from a deletion of 21 nucleotides at positions c.-75 to c.-55. This variant was reported in individuals with features consistent with von Hippel-Lindau syndrome and segregated with disease in at least one family (Ambry internal data, external communication). This variant deletes a region of the VHL promoter that is predicted to be critical for VHL transcription and protein expression (Zatyka M et al. J Med Genet, 2002 Jul;39:463-72). Other variants impacting the same region have been identified in individuals with features consistent with von Hippel-Lindau syndrome (Albanyan S et al. Eur J Med Genet, 2019 Mar;62:177-181). Based on the majority of available evidence to date, this variant is likely to be pathogenic.

Laboratory for Molecular Medicine, Mass General Brigham Personalized Medicine
Classification: Likely pathogenic for Von Hippel-Lindau syndrome. Last evaluated: 2014-12-09. Review status: criteria provided, single submitter. Criteria: LMM Criteria. Collection method: clinical testing. Allele origin: germline. Inheritance: Autosomal dominant inheritance. Observed: 6 variant alleles.
Comment: This variant is located in the 5' untranslated re gion (UTR), a regulatory region, and may have an effect on translational efficie ncy. The deleted sequence in this variant is highly conserved in evolutionarily distant species and in vitro studies have shown that a deletion of this region r emoves a transcription factor binding site which is predicted to alter VHL trans cription (Zatyka 2002). In summary, although additional studies are required to fully establish its clinical significance, the c.-75_-55del variant is likely pa thogenic.

Department of Pathology and Laboratory Medicine, Sinai Health System
Classification: Likely pathogenic for von Hippel-Lindau disease. Review status: criteria provided, single submitter. Criteria: ACMG Guidelines, 2015. Collection method: clinical testing. Allele origin: germline.

Literature cited by the submitters: PubMed 12114475 (cited by Ambry Genetics and Laboratory for Molecular Medicine, Mass General Brigham Personalized Medicine); PubMed 30006056 (cited by Ambry Genetics); PubMed 22357542 (cited by Laboratory for Molecular Medicine, Mass General Brigham Personalized Medicine); PubMed 18836774 (cited by Laboratory for Molecular Medicine, Mass General Brigham Personalized Medicine).

NM_000551.4(VHL):c.-75_-55delCGCACGCAGCTCCGCCCCGCG

Gene: VHL (von Hippel-Lindau tumor suppressor; plus strand). Cytogenetic location: 3p25.3.
Variant type: Deletion.
Coding change: c.-75_-55delCGCACGCAGCTCCGCCCCGCG on transcript NM_000551.4 (MANE Select); 75 bases upstream of the start codon through 55 bases upstream of the start codon, 21 bases deleted (CGCACGCAGCTCCGCCCCGCG).
Molecular consequence: 5 prime UTR variant.
Genome position (GRCh38, 1-based): chr3:10,141,773-10,141,793, CGCACGCAGCTCCGCCCCGCG deleted; deleting any 21 consecutive bases within chr3:10,141,770-10,141,793 gives the same sequence; the c. name uses the placement nearest the transcript's 3' end. VCF-style (leftmost placement, unchanged base first): chr3-10141769-AGCGCGCACGCAGCTCCGCCCC-A. GRCh37 (hg19) VCF-style: chr3-10183453-AGCGCGCACGCAGCTCCGCCCC-A.
Other names: c.-75_-55del21 (NM_000551.3).
Identifiers: ClinVar variation 166561 (VCV000166561.9), dbSNP rs727503744, ClinGen allele CA020542.